The following is an entry in ClinVar:

ClinVar aggregate classification (germline): Pathogenic (1 of 4 stars; one submission).

Conditions:
Hereditary cancer-predisposing syndrome. Also called: Neoplastic Syndromes, Hereditary; Hereditary Cancer Syndrome; Hereditary neoplastic syndrome; Tumor predisposition. Identifiers: Orphanet 140162, MedGen C0027672, MeSH D009386, MONDO:0015356.

Submission:

Ambry Genetics
Classification: Pathogenic for Hereditary cancer-predisposing syndrome. Last evaluated: 2023-04-27. Review status: criteria provided, single submitter. Criteria: Ambry Variant Classification Scheme 2023. Collection method: clinical testing. Allele origin: germline.
Comment: The p.Q285* pathogenic mutation (also known as c.853C>T), located in coding exon 8 of the PRKAR1A gene, results from a C to T substitution at nucleotide position 853. This changes the amino acid from a glutamine to a stop codon within coding exon 8. Loss-of-function variants subject to nonsense mediated decay (NMD) in PRKAR1A are known to cause Carney complex; however, such associations with acrodysostosis have not been reported (Michot. et al. Eur J Hum Genet 26, 1611&ndash;1622 (2018); Bertherat J et al. J Clin Endocrinol Metab. 2009 Jun;94(6):2085-91; Jafari N et al. Proc Natl Acad Sci U S A. 2021 May 25;118(21):e2024716118). This alteration is expected to result in loss of function by premature protein truncation or nonsense-mediated mRNA decay. Based on the supporting evidence, this alteration is pathogenic for Carney complex; however, the association of this alteration with acrodysostosis is unlikely.

NM_002734.5(PRKAR1A):c.853C>T (p.Gln285Ter)

Gene: PRKAR1A (protein kinase cAMP-dependent type I regulatory subunit alpha; plus strand). Cytogenetic location: 17q24.2.
Variant type: single nucleotide variant.
Coding change: c.853C>T on transcript NM_002734.5 (MANE Select); coding-DNA position 853, C replaced by T.
Protein change: p.Gln285Ter; replaces glutamine 285 with a stop codon.
Molecular consequence: nonsense.
Genome position (GRCh38, 1-based): chr17:68,528,953, C>T. VCF-style: chr17-68528953-C-T. GRCh37 (hg19) VCF-style: chr17-66525094-C-T.
Other names: c.853C>T, p.Gln285Ter (NM_001276289.2, NM_001276290.1, NM_001278433.2 and 4 more transcripts); short protein forms Q285*.
Identifiers: ClinVar variation 2562683 (VCV002562683.3), dbSNP rs2509437916, ClinGen allele CA400753968.